The following is an entry in ClinVar:

NM_032638.5(GATA2):c.1412A>G (p.His471Arg)

Gene: GATA2 (GATA binding protein 2; minus strand). Cytogenetic location: 3q21.3.
Variant type: single nucleotide variant.
Coding change: c.1412A>G on transcript NM_032638.5 (MANE Select); coding-DNA position 1412, A replaced by G.
Protein change: p.His471Arg; replaces histidine 471 with arginine.
Molecular consequence: missense variant.
Genome position (GRCh38, 1-based): chr3:128,481,050, T>C on the plus strand (A>G on the coding strand, the complement: GATA2 is on the minus strand). VCF-style: chr3-128481050-T-C. GRCh37 (hg19) VCF-style: chr3-128199893-T-C.
Other names: c.1412A>G, p.His471Arg (NM_001145661.2); c.1370A>G, p.His457Arg (NM_001145662.1); short protein forms H471R, H457R.
Identifiers: ClinVar variation 4028496 (VCV004028496.1).

ClinVar aggregate classification (germline): Uncertain significance (1 of 4 stars; one submission).

Conditions:
Inborn genetic diseases. Identifiers: MedGen C0950123, MeSH D030342.

Submission:

Ambry Genetics
Classification: Uncertain significance for Inborn genetic diseases. Last evaluated: 2025-05-16. Review status: criteria provided, single submitter. Criteria: Ambry Variant Classification Scheme 2023. Collection method: clinical testing. Allele origin: germline.
Comment: The p.H471R variant (also known as c.1412A>G), located in coding exon 5 of the GATA2 gene, results from an A to G substitution at nucleotide position 1412. The histidine at codon 471 is replaced by arginine, an amino acid with highly similar properties. This amino acid position is well conserved in available vertebrate species. In addition, the in silico prediction for this alteration is inconclusive. Based on the available evidence, the clinical significance of this variant remains unclear.